The following is an entry in ClinVar:

NM_005359.6(SMAD4):c.1577A>T (p.Glu526Val)

Gene: SMAD4 (SMAD family member 4; plus strand). Cytogenetic location: 18q21.2.
Variant type: single nucleotide variant.
Coding change: c.1577A>T on transcript NM_005359.6 (MANE Select); coding-DNA position 1577, A replaced by T.
Protein change: p.Glu526Val; replaces glutamic acid 526 with valine.
Molecular consequence: missense variant. On other transcripts: non-coding transcript variant (1).
Genome position (GRCh38, 1-based): chr18:51,078,385, A>T. VCF-style: chr18-51078385-A-T. GRCh37 (hg19) VCF-style: chr18-48604755-A-T.
Other names: c.1577A>T, p.Glu526Val (NM_001407041.1, NM_001407042.1); short protein forms E526V.
Identifiers: ClinVar variation 3637584 (VCV003637584.2).

ClinVar aggregate classification (germline): Uncertain significance (1 of 4 stars; one submission).

Conditions:
Juvenile polyposis syndrome (JPS). Identifiers: Orphanet 2929, MedGen C0345893, MONDO:0017380, OMIM 174900.

Submission:

Labcorp Genetics (formerly Invitae), Labcorp
Classification: Uncertain significance for Juvenile polyposis syndrome. Last evaluated: 2024-06-12. Review status: criteria provided, single submitter. Criteria: Invitae Variant Classification Sherloc (09022015). Collection method: clinical testing. Allele origin: germline.
Comment: This sequence change replaces glutamic acid, which is acidic and polar, with valine, which is neutral and non-polar, at codon 526 of the SMAD4 protein (p.Glu526Val). This variant is not present in population databases (gnomAD no frequency). This variant has not been reported in the literature in individuals affected with SMAD4-related conditions. Advanced modeling of protein sequence and biophysical properties (such as structural, functional, and spatial information, amino acid conservation, physicochemical variation, residue mobility, and thermodynamic stability) has been performed at Invitae for this missense variant, however the output from this modeling did not meet the statistical confidence thresholds required to predict the impact of this variant on SMAD4 protein function. In summary, the available evidence is currently insufficient to determine the role of this variant in disease. Therefore, it has been classified as a Variant of Uncertain Significance.